The following is an entry in ClinVar:

NM_182925.5(FLT4):c.488_489dup (p.Gly164fs)

Gene: FLT4 (fms related receptor tyrosine kinase 4; minus strand). Cytogenetic location: 5q35.3.
Variant type: Duplication.
Coding change: c.488_489dup on transcript NM_182925.5 (MANE Select); coding-DNA positions 488 to 489, 2 bases duplicated (CC; older notation c.488_489dupCC).
Protein change: p.Gly164fs; shifts the reading frame from glycine 164.
Molecular consequence: frameshift variant.
Genome position (GRCh38, 1-based): chr5:180,630,249-180,630,250, GG duplicated on the plus strand (CC on the coding strand, the reverse complement: FLT4 is on the minus strand); duplicating any 2 consecutive bases within chr5:180,630,249-180,630,252 gives the same sequence; the c. name uses the placement nearest the transcript's 3' end. VCF-style (leftmost placement, unchanged base first): chr5-180630248-C-CGG. GRCh37 (hg19) VCF-style: chr5-180057248-C-CGG.
Other names: c.488_489dup, p.Gly164fs (NM_001354989.2, NM_002020.5); short protein forms G164fs.
Identifiers: ClinVar variation 3279269 (VCV003279269.1).
Genomic context (GRCh38, chr5:180,630,248, plus strand): 5'-GGGAGGGTCGGATGCTGGGGTTGGGGTGGGGCCGTACCGAGCGCAGCGTGACATTGAGGC[C>CGG]GGGGATGGACACCAGACAGGGCACCCACATGGCGTCCTTCCTGTTGACCAAGAGCGTGTC-3'

ClinVar aggregate classification (germline): Pathogenic (1 of 4 stars; one submission).

Conditions:
Inborn genetic diseases. Identifiers: MedGen C0950123, MeSH D030342.

Submission:

Ambry Genetics
Classification: Pathogenic for Inborn genetic diseases. Last evaluated: 2024-04-30. Review status: criteria provided, single submitter. Criteria: Ambry Variant Classification Scheme 2023. Collection method: clinical testing. Allele origin: germline.
Comment: The c.488_489dupCC (p.G164Pfs*82) alteration, located in exon 4 (coding exon 4) of the FLT4 gene, consists of a duplication of CC at position 488, causing a translational frameshift with a predicted alternate stop codon after 82 amino acids. This alteration is expected to result in loss of function by premature protein truncation or nonsense-mediated mRNA decay. for FLT4-related congenital heart defects; however, it is unlikely to be causative of FLT4-related lymphatic malformation. This variant was not reported in population-based cohorts in the Genome Aggregation Database (gnomAD). Based on the available evidence, this alteration is classified as pathogenic.